The following is an entry in ClinVar:

NM_000179.3(MSH6):c.1197T>C (p.Pro399=)

Gene: MSH6 (mutS homolog 6; plus strand). Cytogenetic location: 2p16.3.
Variant type: single nucleotide variant.
Coding change: c.1197T>C on transcript NM_000179.3 (MANE Select); coding-DNA position 1197, T replaced by C.
Protein change: p.Pro399=; no amino-acid change (proline 399 retained).
Molecular consequence: synonymous variant.
Genome position (GRCh38, 1-based): chr2:47,799,180, T>C. VCF-style: chr2-47799180-T-C. GRCh37 (hg19) VCF-style: chr2-48026319-T-C.
Other names: c.807T>C, p.Pro269= (NM_001281492.2); c.291T>C, p.Pro97= (NM_001281493.2, NM_001281494.2).
Identifiers: ClinVar variation 698954 (VCV000698954.18), dbSNP rs1572722145, ClinGen allele CA426120809.

ClinVar aggregate classification (germline): Benign/Likely benign. Review status: criteria provided, multiple submitters, no conflicts (2 of 4 stars). 5 submissions from 5 submitters: Benign (1); Likely benign (4). Last evaluated 2025-09-14.

Conditions:
Hereditary nonpolyposis colorectal neoplasms. Identifiers: MedGen C0009405, MeSH D003123.
Lynch syndrome 5 (LYNCH5). Also called: Hereditary non-polyposis colorectal cancer, type 5; Colorectal cancer, hereditary nonpolyposis, type 5. Identifiers: Orphanet 144, MedGen C1833477, MONDO:0013710, OMIM 614350. Disease mechanism: loss of function.
Hereditary cancer-predisposing syndrome. Also called: Hereditary Cancer Syndrome; Neoplastic Syndromes, Hereditary; Hereditary neoplastic syndrome; Tumor predisposition. Identifiers: Orphanet 140162, MedGen C0027672, MeSH D009386, MONDO:0015356.

gnomAD v4.1: 1 of 1,614,206 alleles (0.000062%); no homozygotes.

Submissions (5):

Color Diagnostics, LLC DBA Color Health
Classification: Likely benign for Hereditary cancer-predisposing syndrome. Last evaluated: 2025-09-14. Review status: criteria provided, single submitter. Criteria: ACMG Guidelines, 2015. Collection method: clinical testing. Allele origin: germline.

Myriad Genetics, Inc.
Classification: Benign for Lynch syndrome 5. Last evaluated: 2024-12-23. Review status: criteria provided, single submitter. Criteria: Myriad Autosomal Dominant, Autosomal Recessive and X-Linked Classification Criteria (2023). Collection method: clinical testing. Allele origin: unknown.
Comment: This variant is considered benign. This variant is a silent/synonymous amino acid change and it is not expected to impact splicing.

Labcorp Genetics (formerly Invitae), Labcorp
Classification: Likely benign for Hereditary nonpolyposis colorectal neoplasms. Last evaluated: 2024-05-12. Review status: criteria provided, single submitter. Criteria: Invitae Variant Classification Sherloc (09022015). Collection method: clinical testing. Allele origin: germline.

Ambry Genetics
Classification: Likely benign for Hereditary cancer-predisposing syndrome. Last evaluated: 2020-01-30. Review status: criteria provided, single submitter. Criteria: Ambry Variant Classification Scheme 2023. Collection method: clinical testing. Allele origin: germline.

GeneDx
Classification: Likely benign. Last evaluated: 2019-11-18. Review status: criteria provided, single submitter. Criteria: GeneDx Variant Classification Process June 2021. Collection method: clinical testing. Allele origin: germline. Affected: yes.